The following is an entry in ClinVar:

ClinVar aggregate classification (germline): Pathogenic (1 of 4 stars; one submission).

Submission:

Labcorp Genetics (formerly Invitae), Labcorp
Classification: Pathogenic. Last evaluated: 2025-01-23. Review status: criteria provided, single submitter. Criteria: Invitae Variant Classification Sherloc (09022015). Collection method: clinical testing. Allele origin: germline.
Comment: This sequence change creates a premature translational stop signal (p.Gly892Trpfs*9) in the COL18A1 gene. It is expected to result in an absent or disrupted protein product. Loss-of-function variants in COL18A1 are known to be pathogenic (PMID: 12415512, 25456301). This variant is not present in population databases (gnomAD no frequency). This variant has not been reported in the literature in individuals affected with COL18A1-related conditions. For these reasons, this variant has been classified as Pathogenic.

Literature cited by the submitters: PubMed 12415512; PubMed 25456301.

NM_001379500.1(COL18A1):c.2673_2674insT (p.Gly892fs)

Gene: COL18A1 (collagen type XVIII alpha 1 chain; plus strand). Cytogenetic location: 21q22.3.
Variant type: Insertion.
Coding change: c.2673_2674insT on transcript NM_001379500.1 (MANE Select); coding-DNA positions 2673 to 2674, T inserted.
Protein change: p.Gly892fs; shifts the reading frame from glycine 892.
Molecular consequence: frameshift variant.
Genome position: GRCh38 VCF-style: chr21-45497651-C-CT. GRCh37 (hg19) VCF-style: chr21-46917565-C-CT.
Other names: c.3213_3214insT, p.Gly1072fs (NM_030582.4); c.3918_3919insT, p.Gly1307fs (NM_130444.3); short protein forms G1307fs, G892fs, G1072fs.
Identifiers: ClinVar variation 3729488 (VCV003729488.2).